The following is an entry in ClinVar:

ClinVar aggregate classification (germline): Uncertain significance (1 of 4 stars; one submission).

Conditions:
Cortical dysplasia-focal epilepsy syndrome (PTHSL1). Also called: Pitt-Hopkins-like syndrome 1. Identifiers: Orphanet 163681, Orphanet 221150, MedGen C2750246, MONDO:0012400, OMIM 610042.

Submission:

Labcorp Genetics (formerly Invitae), Labcorp
Classification: Uncertain significance for Cortical dysplasia-focal epilepsy syndrome. Last evaluated: 2022-05-16. Review status: criteria provided, single submitter. Criteria: Invitae Variant Classification Sherloc (09022015). Collection method: clinical testing. Allele origin: germline.
Comment: In summary, the available evidence is currently insufficient to determine the role of this variant in disease. Therefore, it has been classified as a Variant of Uncertain Significance. Algorithms developed to predict the effect of missense changes on protein structure and function are either unavailable or do not agree on the potential impact of this missense change (SIFT: "Deleterious"; PolyPhen-2: "Probably Damaging"; Align-GVGD: "Class C0"). This variant has not been reported in the literature in individuals affected with CNTNAP2-related conditions. This variant is not present in population databases (gnomAD no frequency). This sequence change replaces asparagine, which is neutral and polar, with isoleucine, which is neutral and non-polar, at codon 405 of the CNTNAP2 protein (p.Asn405Ile).

NM_014141.6(CNTNAP2):c.1214A>T (p.Asn405Ile)

Gene: CNTNAP2 (contactin associated protein 2; plus strand). Cytogenetic location: 7q35.
Variant type: single nucleotide variant.
Coding change: c.1214A>T on transcript NM_014141.6 (MANE Select); coding-DNA position 1214, A replaced by T.
Protein change: p.Asn405Ile; replaces asparagine 405 with isoleucine.
Molecular consequence: missense variant.
Genome position (GRCh38, 1-based): chr7:147,132,375, A>T. VCF-style: chr7-147132375-A-T. GRCh37 (hg19) VCF-style: chr7-146829467-A-T.
Other names: short protein forms N405I.
Identifiers: ClinVar variation 1942981 (VCV001942981.5), dbSNP rs893991199, ClinGen allele CA168690906.